The following is an entry in ClinVar:

ClinVar aggregate classification (germline): Uncertain significance. Review status: criteria provided, multiple submitters, no conflicts (2 of 4 stars). 3 submissions from 3 submitters: Uncertain significance (3). Last evaluated 2026-03-03.

Conditions:
Cardiovascular phenotype. Identifiers: MedGen CN230736.
Brugada syndrome. Also called: Sudden unexpected nocturnal death syndrome; Sudden unexplained nocturnal death syndrome; Sudden Unexplained Death Syndrome; Sudden Unexplained Nocturnal Death Syndrome (SUNDS). Identifiers: Orphanet 130, MedGen C1142166, MONDO:0015263.

Allele frequency attached by ClinVar (database versions not stated): ExAC 0.00001; TOPMed 0.00002; gnomAD exomes 0.00003.
gnomAD v4.1: 24 of 1,613,624 alleles (0.0015%); highest among the groups gnomAD compares: Non-Finnish European, 0.0019%; no homozygotes.

Submissions (3):

GeneDx
Classification: Uncertain significance. Last evaluated: 2026-03-03. Review status: criteria provided, single submitter. Criteria: GeneDx Variant Classification Process June 2021. Collection method: clinical testing. Allele origin: germline.
Comment: In silico analysis suggests that this missense variant does not alter protein structure/function; Has not been previously published as pathogenic or benign to our knowledge

Labcorp Genetics (formerly Invitae), Labcorp
Classification: Uncertain significance for Brugada syndrome. Last evaluated: 2025-09-10. Review status: criteria provided, single submitter. Criteria: Invitae Variant Classification Sherloc (09022015). Collection method: clinical testing. Allele origin: germline.
Comment: This sequence change replaces glycine, which is neutral and non-polar, with arginine, which is basic and polar, at codon 540 of the SCN10A protein (p.Gly540Arg). This variant is present in population databases (rs779182285, gnomAD 0.006%). This variant has not been reported in the literature in individuals affected with SCN10A-related conditions. ClinVar contains an entry for this variant (Variation ID: 850835). Invitae Evidence Modeling of protein sequence and biophysical properties (such as structural, functional, and spatial information, amino acid conservation, physicochemical variation, residue mobility, and thermodynamic stability) indicates that this missense variant is not expected to disrupt SCN10A protein function with a negative predictive value of 95%. In summary, the available evidence is currently insufficient to determine the role of this variant in disease. Therefore, it has been classified as a Variant of Uncertain Significance.

Ambry Genetics
Classification: Uncertain significance for Cardiovascular phenotype. Last evaluated: 2024-10-08. Review status: criteria provided, single submitter. Criteria: Ambry Variant Classification Scheme 2023. Collection method: clinical testing. Allele origin: germline.
Comment: The p.G540R variant (also known as c.1618G>C), located in coding exon 11 of the SCN10A gene, results from a G to C substitution at nucleotide position 1618. The glycine at codon 540 is replaced by arginine, an amino acid with dissimilar properties. This amino acid position is conserved. In addition, the in silico prediction for this alteration is inconclusive. Based on the available evidence, the clinical significance of this variant remains unclear.

NM_006514.4(SCN10A):c.1618G>C (p.Gly540Arg)

Gene: SCN10A (sodium voltage-gated channel alpha subunit 10; minus strand). Cytogenetic location: 3p22.2.
Variant type: single nucleotide variant.
Coding change: c.1618G>C on transcript NM_006514.4 (MANE Select); coding-DNA position 1618, G replaced by C.
Protein change: p.Gly540Arg; replaces glycine 540 with arginine.
Molecular consequence: missense variant. On other transcripts: intron variant (1).
Genome position (GRCh38, 1-based): chr3:38,752,356, C>G on the plus strand (G>C on the coding strand, the complement: SCN10A is on the minus strand). VCF-style: chr3-38752356-C-G. GRCh37 (hg19) VCF-style: chr3-38793847-C-G.
Other names: c.1618G>C, p.Gly540Arg (NM_001293306.2); c.1462-2172G>C (NM_001293307.2); c.1618G>C (NM_006514.2); short protein forms G540R.
Identifiers: ClinVar variation 850835 (VCV000850835.8), dbSNP rs779182285, ClinGen allele CA2320797.